The following is an entry in ClinVar:

ClinVar aggregate classification (germline): Uncertain significance. Review status: criteria provided, multiple submitters, no conflicts (2 of 4 stars). 4 submissions from 4 submitters: Uncertain significance (4). Last evaluated 2025-07-10.

Conditions:
Hereditary cancer-predisposing syndrome. Also called: Neoplastic Syndromes, Hereditary; Hereditary Cancer Syndrome; Hereditary neoplastic syndrome; Tumor predisposition. Identifiers: Orphanet 140162, MedGen C0027672, MeSH D009386, MONDO:0015356.
Ataxia-telangiectasia syndrome (AT). Also called: Ataxia-telangiectasia, complementation group E; Cerebello-oculocutaneous telangiectasia; Immunodeficiency with ataxia telangiectasia; Ataxia-telangiectasia, complementation group D; AT, COMPLEMENTATION GROUP C; Ataxia-telangiectasia. Identifiers: Orphanet 100, MedGen C0004135, MONDO:0008840, OMIM 208900.

Allele frequency attached by ClinVar (database versions not stated): gnomAD exomes below 0.00001 and 0.00001; ExAC 0.00002.
gnomAD v4.1: 4 of 1,613,634 alleles (0.00025%); highest among the groups gnomAD compares: Non-Finnish European, 0.00025%; no homozygotes.

Submissions (4):

Ambry Genetics
Classification: Uncertain significance for Hereditary cancer-predisposing syndrome. Last evaluated: 2025-07-10. Review status: criteria provided, single submitter. Criteria: Ambry Variant Classification Scheme 2023. Collection method: clinical testing. Allele origin: germline.
Comment: The p.P1480L variant (also known as c.4439C>T), located in coding exon 29 of the ATM gene, results from a C to T substitution at nucleotide position 4439. The proline at codon 1480 is replaced by leucine, an amino acid with similar properties. This amino acid position is not well conserved in available vertebrate species. In addition, this alteration is predicted to be tolerated by in silico analysis. Since supporting evidence is limited at this time, the clinical significance of this alteration remains unclear.

Labcorp Genetics (formerly Invitae), Labcorp
Classification: Uncertain significance for Ataxia-telangiectasia syndrome. Last evaluated: 2023-07-07. Review status: criteria provided, single submitter. Criteria: Invitae Variant Classification Sherloc (09022015). Collection method: clinical testing. Allele origin: germline.
Comment: This sequence change replaces proline, which is neutral and non-polar, with leucine, which is neutral and non-polar, at codon 1480 of the ATM protein (p.Pro1480Leu). This variant is present in population databases (rs200456625, gnomAD 0.002%). This variant has not been reported in the literature in individuals affected with ATM-related conditions. ClinVar contains an entry for this variant (Variation ID: 847997). An algorithm developed to predict the effect of missense changes on protein structure and function (PolyPhen-2) suggests that this variant¬†is likely to be tolerated. In summary, the available evidence is currently insufficient to determine the role of this variant in disease. Therefore, it has been classified as a Variant of Uncertain Significance.

Sema4
Classification: Uncertain significance for Hereditary cancer-predisposing syndrome. Last evaluated: 2022-03-16. Review status: criteria provided, single submitter. Criteria: Sema4 Curation Guidelines. Collection method: curation. Allele origin: germline.
Comment: The ATM c.4439C>T (p.P1480L) variant has been reported in heterozygosity in at least one individual with breast cancer (PMID: 33471991). It was observed in 2/113522 chromosomes of the Non-Finnish European subpopulation in the large and broad cohorts of the Genome Aggregation Database (PMID: 32461654). The variant has been reported in ClinVar (Variation ID 847997). Functional studies have not been performed, and in silico predictions of the variant's effect on protein function are inconclusive. The evidence is insufficient to meet ACMG/AMP criteria for classifying the variant as benign or pathogenic. Thus, the clinical significance of this variant is currently uncertain.

Color Diagnostics, LLC DBA Color Health
Classification: Uncertain significance for Hereditary cancer-predisposing syndrome. Last evaluated: 2019-11-25. Review status: criteria provided, single submitter. Criteria: ACMG Guidelines, 2015. Collection method: clinical testing. Allele origin: germline.
Comment: This missense variant replaces proline with leucine at codon 1480 of the ATM protein. Computational prediction suggests that this variant may not impact protein structure and function (internally defined REVEL score threshold <= 0.5, PMID: 27666373). Splice site prediction tools suggest that this variant may not impact RNA splicing. To our knowledge, functional studies have not been performed for this variant. This variant has not been reported in individuals affected with hereditary cancer in the literature. This variant has been identified in 2/251170 chromosomes in the general population by the Genome Aggregation Database (gnomAD). The available evidence is insufficient to determine the role of this variant in disease conclusively. Therefore, this variant is classified as a Variant of Uncertain Significance.

Literature cited by the submitters: PubMed 33471991 (cited by Sema4).

NM_000051.4(ATM):c.4439C>T (p.Pro1480Leu)

Gene: ATM (ATM serine/threonine kinase; plus strand). Cytogenetic location: 11q22.3.
Variant type: single nucleotide variant.
Coding change: c.4439C>T on transcript NM_000051.4 (MANE Select); coding-DNA position 4439, C replaced by T.
Protein change: p.Pro1480Leu; replaces proline 1480 with leucine.
Molecular consequence: missense variant.
Genome position (GRCh38, 1-based): chr11:108,292,621, C>T. VCF-style: chr11-108292621-C-T. GRCh37 (hg19) VCF-style: chr11-108163348-C-T.
Other names: c.4439C>T, p.Pro1480Leu (NM_001351834.2); short protein forms P1480L.
Identifiers: ClinVar variation 847997 (VCV000847997.12), dbSNP rs200456625, ClinGen allele CA6265476.